The following is an entry in ClinVar:

ClinVar aggregate classification (germline): Uncertain significance. Review status: criteria provided, single submitter (1 of 4 stars). 2 submissions from 2 submitters: Uncertain significance (1). 1 of the submissions does not count toward it. Last evaluated 2018-02-26.

Conditions:
LIPE-related disorder. Also called: LIPE-related condition.

Allele frequency attached by ClinVar (database versions not stated): ESP Exome Variant Server 0.00008; gnomAD 0.00016 and 0.00031; TOPMed 0.00025; ExAC 0.00076; gnomAD exomes 0.00080; 1000 Genomes Project 30x 0.00109; 1000 Genomes Project 0.00140.

Submissions (2):

Genetic Services Laboratory, University of Chicago
Classification: Uncertain significance. Last evaluated: 2018-02-26. Review status: criteria provided, single submitter. Criteria: ACMG Guidelines, 2015. Collection method: clinical testing. Allele origin: germline. Affected: no.

PreventionGenetics, part of Exact Sciences
Classification: Likely benign for LIPE-related condition. Last evaluated: 2020-01-02. Review status: no assertion criteria provided. Collection method: clinical testing. Allele origin: germline. Not counted in ClinVar's aggregate classification.
Comment: This variant is classified as likely benign based on ACMG/AMP sequence variant interpretation guidelines (Richards et al. 2015 PMID: 25741868, with internal and published modifications).

NM_005357.4(LIPE):c.2166G>A (p.Ala722=)

Genes: LIPE (lipase E, hormone sensitive type; minus strand), LIPE-AS1 (LIPE antisense RNA 1; plus strand), LOC101930071 (uncharacterized LOC101930071; plus strand). Cytogenetic location: 19q13.2.
Variant type: single nucleotide variant.
Coding change: c.2166G>A on transcript NM_005357.4 (MANE Select); coding-DNA position 2166, G replaced by A.
Protein change: p.Ala722=; no amino-acid change (alanine 722 retained).
Molecular consequence: synonymous variant.
Genome position (GRCh38, 1-based): chr19:42,406,360, C>T on the plus strand (G>A on the coding strand, the complement: LIPE is on the minus strand). VCF-style: chr19-42406360-C-T. GRCh37 (hg19) VCF-style: chr19-42910512-C-T.
Identifiers: ClinVar variation 1338694 (VCV001338694.6), dbSNP rs371435924, ClinGen allele CA9476807.